The following is an entry in ClinVar:

NM_002292.4(LAMB2):c.3026G>A (p.Arg1009His)

Gene: LAMB2 (laminin subunit beta 2; minus strand). Cytogenetic location: 3p21.31.
Variant type: single nucleotide variant.
Coding change: c.3026G>A on transcript NM_002292.4 (MANE Select); coding-DNA position 3026, G replaced by A.
Protein change: p.Arg1009His; replaces arginine 1009 with histidine.
Molecular consequence: missense variant.
Genome position (GRCh38, 1-based): chr3:49,124,784, C>T on the plus strand (G>A on the coding strand, the complement: LAMB2 is on the minus strand). VCF-style: chr3-49124784-C-T. GRCh37 (hg19) VCF-style: chr3-49162217-C-T.
Other names: p.Arg1009His; short protein forms R1009H.
Identifiers: ClinVar variation 1430583 (VCV001430583.8), dbSNP rs776023210, ClinGen allele CA2394139.

ClinVar aggregate classification (germline): Uncertain significance. Review status: criteria provided, multiple submitters, no conflicts (2 of 4 stars). 3 submissions from 3 submitters: Uncertain significance (3). Last evaluated 2025-07-20.

Conditions:
Pierson syndrome. Also called: MICROCORIA-CONGENITAL NEPHROTIC SYNDROME. Identifiers: Orphanet 2670, MedGen C1836876, MONDO:0012184, OMIM 609049.
LAMB2-related infantile-onset nephrotic syndrome. Also called: NEPHROTIC SYNDROME, TYPE 5, WITHOUT OCULAR ABNORMALITIES; NEPHROTIC SYNDROME, TYPE 5, WITH OCULAR ABNORMALITIES; Nephrotic Syndrome, type 5. Identifiers: Orphanet 306507, MedGen C3280113, MONDO:0013621, OMIM 614199.

Allele frequency attached by ClinVar (database versions not stated): ExAC 0.00003; gnomAD 0.00003 and 0.00004; TOPMed 0.00004; gnomAD exomes 0.00005.

Submissions (3):

Labcorp Genetics (formerly Invitae), Labcorp
Classification: Uncertain significance for LAMB2-related infantile-onset nephrotic syndrome; Pierson syndrome. Last evaluated: 2025-07-20. Review status: criteria provided, single submitter. Criteria: Invitae Variant Classification Sherloc (09022015). Collection method: clinical testing. Allele origin: germline.
Comment: This sequence change replaces arginine, which is basic and polar, with histidine, which is basic and polar, at codon 1009 of the LAMB2 protein (p.Arg1009His). This variant is present in population databases (rs776023210, gnomAD 0.02%). This variant has not been reported in the literature in individuals affected with LAMB2-related conditions. ClinVar contains an entry for this variant (Variation ID: 1430583). An algorithm developed to predict the effect of missense changes on protein structure and function outputs the following: PolyPhen-2: "Benign". The histidine amino acid residue is found in multiple mammalian species, which suggests that this missense change does not adversely affect protein function. In summary, the available evidence is currently insufficient to determine the role of this variant in disease. Therefore, it has been classified as a Variant of Uncertain Significance.

Mayo Clinic Laboratories, Mayo Clinic
Classification: Uncertain significance. Last evaluated: 2025-02-20. Review status: criteria provided, single submitter. Criteria: ACMG Guidelines, 2015. Collection method: clinical testing. Allele origin: germline. Observed: 1 variant allele.
Comment: BP4

Fulgent Genetics
Classification: Uncertain significance for Pierson syndrome; LAMB2-related infantile-onset nephrotic syndrome. Last evaluated: 2024-03-19. Review status: criteria provided, single submitter. Criteria: ACMG Guidelines, 2015. Collection method: clinical testing. Allele origin: germline.